The following is an entry in ClinVar:

ClinVar aggregate classification (germline): Uncertain significance. Review status: criteria provided, multiple submitters, no conflicts (2 of 4 stars). 2 submissions from 2 submitters: Uncertain significance (2). Last evaluated 2024-05-14.

Conditions:
Inborn genetic diseases. Identifiers: MedGen C0950123, MeSH D030342.
Vici syndrome (VICIS). Identifiers: Orphanet 1493, MedGen C1855772, MONDO:0009452, OMIM 242840.

Allele frequency attached by ClinVar (database versions not stated): ExAC 0.00002; gnomAD exomes 0.00002 and 0.00003; TOPMed 0.00002; gnomAD 0.00003 and 0.00004.
gnomAD v4.1: 41 of 1,613,988 alleles (0.0025%); highest among the groups gnomAD compares: Non-Finnish European, 0.0035%; no homozygotes.

Submissions (2):

Ambry Genetics
Classification: Uncertain significance for Inborn genetic diseases. Last evaluated: 2024-05-14. Review status: criteria provided, single submitter. Criteria: Ambry Variant Classification Scheme 2023. Collection method: clinical testing. Allele origin: germline.

Labcorp Genetics (formerly Invitae), Labcorp
Classification: Uncertain significance for Vici syndrome. Last evaluated: 2022-09-13. Review status: criteria provided, single submitter. Criteria: Invitae Variant Classification Sherloc (09022015). Collection method: clinical testing. Allele origin: germline.
Comment: This sequence change replaces lysine, which is basic and polar, with threonine, which is neutral and polar, at codon 1912 of the EPG5 protein (p.Lys1912Thr). The frequency data for this variant in the population databases is considered unreliable, as metrics indicate poor data quality at this position in the gnomAD database. This variant has not been reported in the literature in individuals affected with EPG5-related conditions. ClinVar contains an entry for this variant (Variation ID: 664194). Advanced modeling of protein sequence and biophysical properties (such as structural, functional, and spatial information, amino acid conservation, physicochemical variation, residue mobility, and thermodynamic stability) performed at Invitae indicates that this missense variant is not expected to disrupt EPG5 protein function. In summary, the available evidence is currently insufficient to determine the role of this variant in disease. Therefore, it has been classified as a Variant of Uncertain Significance.

NM_020964.3(EPG5):c.5735A>C (p.Lys1912Thr)

Gene: EPG5 (ectopic P-granules 5 autophagy tethering factor; minus strand). Cytogenetic location: 18q12.3.
Variant type: single nucleotide variant.
Coding change: c.5735A>C on transcript NM_020964.3 (MANE Select); coding-DNA position 5735, A replaced by C.
Protein change: p.Lys1912Thr; replaces lysine 1912 with threonine.
Molecular consequence: missense variant.
Genome position (GRCh38, 1-based): chr18:45,879,147, T>G on the plus strand (A>C on the coding strand, the complement: EPG5 is on the minus strand). VCF-style: chr18-45879147-T-G. GRCh37 (hg19) VCF-style: chr18-43459112-T-G.
Other names: c.5735A>C, p.Lys1912Thr (LRG_1234t1); short protein forms K1912T.
Identifiers: ClinVar variation 664194 (VCV000664194.8), dbSNP rs754227425, ClinGen allele CA8948486.